The following is an entry in ClinVar:

ClinVar aggregate classification (germline): Benign/Likely benign. Review status: criteria provided, multiple submitters, no conflicts (2 of 4 stars). 2 submissions from 2 submitters: Benign (1); Likely benign (1). Last evaluated 2025-10-30.

Conditions:
Oligodontia-cancer predisposition syndrome. Also called: TOOTH AGENESIS-COLORECTAL CANCER SYNDROME. Identifiers: Orphanet 300576, MedGen C1837750, MONDO:0012075, OMIM 608615. Disease mechanism: loss of function.

Submissions (2):

Labcorp Genetics (formerly Invitae), Labcorp
Classification: Likely benign for Oligodontia-cancer predisposition syndrome. Last evaluated: 2025-10-30. Review status: criteria provided, single submitter. Criteria: Invitae Variant Classification Sherloc (09022015). Collection method: clinical testing. Allele origin: germline.

Myriad Genetics, Inc.
Classification: Benign for Oligodontia-cancer predisposition syndrome. Last evaluated: 2024-07-05. Review status: criteria provided, single submitter. Criteria: Myriad Autosomal Dominant, Autosomal Recessive and X-Linked Classification Criteria (2023). Collection method: clinical testing. Allele origin: unknown.
Comment: This variant is considered benign. This variant is a silent/synonymous amino acid change and it is not expected to impact splicing.

NM_004655.4(AXIN2):c.1668A>G (p.Lys556=)

Gene: AXIN2 (axin 2; minus strand). Cytogenetic location: 17q24.1.
Variant type: single nucleotide variant.
Coding change: c.1668A>G on transcript NM_004655.4 (MANE Select); coding-DNA position 1668, A replaced by G.
Protein change: p.Lys556=; no amino-acid change (lysine 556 retained).
Molecular consequence: synonymous variant.
Genome position (GRCh38, 1-based): chr17:65,537,368, T>C on the plus strand (A>G on the coding strand, the complement: AXIN2 is on the minus strand). VCF-style: chr17-65537368-T-C. GRCh37 (hg19) VCF-style: chr17-63533486-T-C.
Other names: c.1668A>G, p.Lys556= (NM_001363813.1).
Identifiers: ClinVar variation 3379158 (VCV003379158.2).